The following is an entry in ClinVar:

ClinVar aggregate classification (germline): Likely pathogenic (1 of 4 stars; one submission).

Submission:

Labcorp Genetics (formerly Invitae), Labcorp
Classification: Likely pathogenic. Last evaluated: 2022-03-26. Review status: criteria provided, single submitter. Criteria: Invitae Variant Classification Sherloc (09022015). Collection method: clinical testing. Allele origin: germline.
Comment: This sequence change replaces glycine, which is neutral and non-polar, with serine, which is neutral and polar, at codon 678 of the COL4A5 protein (p.Gly678Ser). In summary, the currently available evidence indicates that the variant is pathogenic, but additional data are needed to prove that conclusively. Therefore, this variant has been classified as Likely Pathogenic. This variant disrupts the triple helix domain of COL4A5. Glycine residues within the Gly-Xaa-Yaa repeats of the triple helix domain are required for the structure and stability of fibrillar collagens (PMID: 7695699, 8218237, 19344236). In COL4A5, missense variants at these glycine residues are significantly enriched in individuals with disease (PMID: 23720012, 27627812) compared to the general population (ExAC). Algorithms developed to predict the effect of sequence changes on RNA splicing suggest that this variant may create or strengthen a splice site. Advanced modeling of protein sequence and biophysical properties (such as structural, functional, and spatial information, amino acid conservation, physicochemical variation, residue mobility, and thermodynamic stability) performed at Invitae indicates that this missense variant is expected to disrupt COL4A5 protein function. This variant has not been reported in the literature in individuals affected with COL4A5-related conditions. This variant is not present in population databases (gnomAD no frequency).

Literature cited by the submitters: PubMed 7695699; PubMed 8218237; PubMed 19344236; PubMed 23720012; PubMed 27627812.

NM_033380.3(COL4A5):c.2032G>A (p.Gly678Ser)

Gene: COL4A5 (collagen type IV alpha 5 chain; plus strand). Cytogenetic location: Xq22.3.
Variant type: single nucleotide variant.
Coding change: c.2032G>A on transcript NM_033380.3 (MANE Select); coding-DNA position 2032, G replaced by A.
Protein change: p.Gly678Ser; replaces glycine 678 with serine.
Molecular consequence: missense variant.
Genome position (GRCh38, 1-based): chrX:108,601,476, G>A. VCF-style: chrX-108601476-G-A. GRCh37 (hg19) VCF-style: chrX-107844706-G-A.
Other names: c.2032G>A, p.Gly678Ser (NM_000495.5); short protein forms G678S.
Identifiers: ClinVar variation 2100121 (VCV002100121.4), dbSNP rs2524326032, ClinGen allele CA413846865.